The following is an entry in ClinVar:

NM_024757.5(EHMT1):c.2871_2872del (p.Phe958fs)

Gene: EHMT1 (euchromatic histone lysine methyltransferase 1; plus strand). Cytogenetic location: 9q34.3.
Variant type: Microsatellite.
Coding change: c.2871_2872del on transcript NM_024757.5 (MANE Select); coding-DNA positions 2871 to 2872, 2 bases deleted (CT; older notation c.2871_2872delCT).
Protein change: p.Phe958fs; shifts the reading frame from phenylalanine 958.
Molecular consequence: frameshift variant.
Genome position (GRCh38, 1-based): chr9:137,813,009-137,813,010, CT deleted; deleting any 2 consecutive bases within chr9:137,813,007-137,813,010 gives the same sequence; the c. name uses the placement nearest the transcript's 3' end. VCF-style (leftmost placement, unchanged base first): chr9-137813006-CCT-C. GRCh37 (hg19) VCF-style: chr9-140707458-CCT-C.
Other names: c.2850_2851del, p.Phe951fs (NM_001354263.2); short protein forms F951fs, F958fs.
Identifiers: ClinVar variation 4855597 (VCV004855597.1).

ClinVar aggregate classification (germline): Likely pathogenic (1 of 4 stars; one submission).

Conditions:
Kleefstra syndrome 1 (KLEFS1). Identifiers: Orphanet 261494, MedGen C0795833, MONDO:0027407, OMIM 610253.

Submission:

3billion
Classification: Likely pathogenic for Kleefstra syndrome 1. Last evaluated: 2025-07-18. Review status: criteria provided, single submitter. Criteria: ACMG Guidelines, 2015. Collection method: clinical testing. Allele origin: germline. Affected: yes.
Comment: The variant is not observed in the gnomAD v4.1.0 dataset. Predicted Consequence/Location: Frameshift: predicted to result in a loss or disruption of normal protein function through nonsense-mediated decay (NMD) or protein truncation. Multiple pathogenic variants are reported downstream of the variant. Therefore, this variant is classified as Likely pathogenic according to the recommendation of ACMG/AMP guideline.